The following is an entry in ClinVar:

ClinVar aggregate classification (germline): Uncertain significance (1 of 4 stars; one submission).

Allele frequency attached by ClinVar (database versions not stated): gnomAD 0.00001; gnomAD exomes 0.00001; TOPMed 0.00001.
gnomAD v4.1: 19 of 1,613,736 alleles (0.0012%); highest among the groups gnomAD compares: Admixed American, 0.0017%; no homozygotes.

Submission:

Labcorp Genetics (formerly Invitae), Labcorp
Classification: Uncertain significance. Last evaluated: 2022-12-30. Review status: criteria provided, single submitter. Criteria: Invitae Variant Classification Sherloc (09022015). Collection method: clinical testing. Allele origin: germline.
Comment: In summary, the available evidence is currently insufficient to determine the role of this variant in disease. Therefore, it has been classified as a Variant of Uncertain Significance. Advanced modeling of protein sequence and biophysical properties (such as structural, functional, and spatial information, amino acid conservation, physicochemical variation, residue mobility, and thermodynamic stability) performed at Invitae indicates that this missense variant is not expected to disrupt ARID1A protein function. This variant has not been reported in the literature in individuals affected with ARID1A-related conditions. This variant is present in population databases (no rsID available, gnomAD 0.003%). This sequence change replaces valine, which is neutral and non-polar, with alanine, which is neutral and non-polar, at codon 2041 of the ARID1A protein (p.Val2041Ala).

NM_006015.6(ARID1A):c.6122T>C (p.Val2041Ala)

Gene: ARID1A (AT-rich interaction domain 1A; plus strand). Cytogenetic location: 1p36.11.
Variant type: single nucleotide variant.
Coding change: c.6122T>C on transcript NM_006015.6 (MANE Select); coding-DNA position 6122, T replaced by C.
Protein change: p.Val2041Ala; replaces valine 2041 with alanine.
Molecular consequence: missense variant.
Genome position (GRCh38, 1-based): chr1:26,780,020, T>C. VCF-style: chr1-26780020-T-C. GRCh37 (hg19) VCF-style: chr1-27106511-T-C.
Other names: c.5471T>C, p.Val1824Ala (NM_139135.4); short protein forms V1824A, V2041A.
Identifiers: ClinVar variation 3019979 (VCV003019979.3), dbSNP rs1041682760, ClinGen allele CA19817735.